The following is an entry in ClinVar:

NM_000441.2(SLC26A4):c.664G>A (p.Gly222Ser)

Gene: SLC26A4 (solute carrier family 26 member 4; plus strand). Cytogenetic location: 7q22.3.
Variant type: single nucleotide variant.
Coding change: c.664G>A on transcript NM_000441.2 (MANE Select); coding-DNA position 664, G replaced by A.
Protein change: p.Gly222Ser; replaces glycine 222 with serine.
Molecular consequence: missense variant.
Genome position (GRCh38, 1-based): chr7:107,675,008, G>A. VCF-style: chr7-107675008-G-A. GRCh37 (hg19) VCF-style: chr7-107315453-G-A.
Other names: short protein forms G222S.
Identifiers: ClinVar variation 1805109 (VCV001805109.1), dbSNP rs2535297494, ClinGen allele CA368831349.

ClinVar aggregate classification (germline): Pathogenic (1 of 4 stars; one submission).

Conditions:
Pendred syndrome (PDS). Also called: THYROID DYSHORMONOGENESIS 2B; THYROID HORMONOGENESIS, GENETIC DEFECT IN, 2B; DEAFNESS WITH GOITER; GOITER-DEAFNESS SYNDROME; Pendred Syndrome (PDS); HYPOTHYROIDISM, CONGENITAL, DUE TO DYSHORMONOGENESIS, 2B. Identifiers: Orphanet 705, MedGen C0271829, MONDO:0010134, OMIM 274600.

Submission:

Victorian Clinical Genetics Services, Murdoch Childrens Research Institute
Classification: Pathogenic for Pendred syndrome. Last evaluated: 2022-06-24. Review status: criteria provided, single submitter. Criteria: ACMG Guidelines, 2015. Collection method: clinical testing. Allele origin: germline. Inheritance: Autosomal recessive inheritance. Affected: yes.
Comment: Based on the classification scheme VCGS_Germline_v1.3.4, this variant is classified as Pathogenic. Following criteria are met: 0102 - Loss of function is a known mechanism of disease in this gene and is associated with deafness with enlarged vestibular aqueduct (MIM#600791) and Pendred syndrome (MIM#274600). (I) 0106 - This gene is associated with autosomal recessive disease. (I) 0200 - Variant is predicted to result in a missense amino acid change from glycine to serine. (I) 0251 - This variant is heterozygous. (I) 0301 - Variant is absent from gnomAD (both v2 and v3). (SP) 0309 - An alternative amino acid change at the same position has been observed in gnomAD (v2) (1 heterozygote, 0 homozygotes). (I) 0501 - Missense variant consistently predicted to be damaging by multiple in silico tools or highly conserved with a major amino acid change. (SP) 0600 - Variant is located in the annotated sulfate permease domain (DECIPHER). (I) 0703 - Other missense variants comparable to the one identified in this case have moderate previous evidence for pathogenicity. Alternative changes to alanine and asparagine have each been reported in a compound heterozygous state in a single individual with nonsyndromic deafness (PMID: 23918157, PMID: 26226137). Additionally, an alternative change to valine, has been reported in two individuals with enlarged vestibular aqueduct (PMID: 23185506). (SP) 0803 - This variant has limited previous evidence of pathogenicity in an unrelated individual. This variant has been reported in a compound heterozygous state in an individual with enlarged vestibular aqueduct (PMID: 23638949). (SP) 0905 - No published segregation evidence has been identified for this variant. (I) 1007 - No published functional evidence has been identified for this variant. (I) 1101 - Very strong and specific phenotype match for this individual. (SP) 1201 - Heterozygous variant detected in trans with a second pathogenic heterozygous variant (p.(Ser517Phefs*10)) in a recessive disease. (I) Legend: (SP) - Supporting pathogenic, (I) - Information, (SB) - Supporting benign

Literature cited by the submitters: PubMed 23185506; PubMed 23638949; PubMed 23918157; PubMed 26226137.